The following is an entry in ClinVar:

ClinVar aggregate classification (germline): Uncertain significance. Review status: criteria provided, multiple submitters, no conflicts (2 of 4 stars). 3 submissions from 3 submitters: Uncertain significance (3). Last evaluated 2024-11-09.

Conditions:
Inborn genetic diseases. Identifiers: MedGen C0950123, MeSH D030342.

Allele frequency attached by ClinVar (database versions not stated): gnomAD exomes 0.00009; ExAC 0.00010; ESP Exome Variant Server 0.00031; gnomAD 0.00031 and 0.00033; TOPMed 0.00038; 1000 Genomes Project 0.00060; 1000 Genomes Project 30x 0.00062.
gnomAD v4.1: 118 of 1,614,036 alleles (0.0073%); highest among the groups gnomAD compares: African/African-American, 0.091%; no homozygotes.

Submissions (3):

Ambry Genetics
Classification: Uncertain significance for Inborn genetic diseases. Last evaluated: 2024-11-09. Review status: criteria provided, single submitter. Criteria: Ambry Variant Classification Scheme 2023. Collection method: clinical testing. Allele origin: germline.

Labcorp Genetics (formerly Invitae), Labcorp
Classification: Uncertain significance. Last evaluated: 2024-10-26. Review status: criteria provided, single submitter. Criteria: Invitae Variant Classification Sherloc (09022015). Collection method: clinical testing. Allele origin: germline.
Comment: This sequence change replaces arginine, which is basic and polar, with glutamine, which is neutral and polar, at codon 459 of the SPART protein (p.Arg459Gln). This variant is present in population databases (rs7321457, gnomAD 0.1%). This variant has not been reported in the literature in individuals affected with SPART-related conditions. ClinVar contains an entry for this variant (Variation ID: 1375157). Invitae Evidence Modeling of protein sequence and biophysical properties (such as structural, functional, and spatial information, amino acid conservation, physicochemical variation, residue mobility, and thermodynamic stability) indicates that this missense variant is not expected to disrupt SPART protein function with a negative predictive value of 80%. In summary, the available evidence is currently insufficient to determine the role of this variant in disease. Therefore, it has been classified as a Variant of Uncertain Significance.

Blueprint Genetics
Classification: Uncertain significance. Last evaluated: 2021-05-26. Review status: criteria provided, single submitter. Criteria: ACMG Guidelines, 2015. Collection method: clinical testing. Allele origin: germline.

NM_015087.5(SPART):c.1376G>A (p.Arg459Gln)

Gene: SPART (spartin; minus strand). Cytogenetic location: 13q13.3.
Variant type: single nucleotide variant.
Coding change: c.1376G>A on transcript NM_015087.5 (MANE Select); coding-DNA position 1376, G replaced by A.
Protein change: p.Arg459Gln; replaces arginine 459 with glutamine.
Molecular consequence: missense variant.
Genome position (GRCh38, 1-based): chr13:36,314,334, C>T on the plus strand (G>A on the coding strand, the complement: SPART is on the minus strand). VCF-style: chr13-36314334-C-T. GRCh37 (hg19) VCF-style: chr13-36888471-C-T.
Other names: c.1376G>A, p.Arg459Gln (NM_001142294.2, NM_001142295.2, NM_001142296.2); c.1376G>A (NM_015087.4); short protein forms R459Q.
Identifiers: ClinVar variation 1375157 (VCV001375157.7), dbSNP rs7321457, ClinGen allele CA6949408.